The following is an entry in ClinVar:

ClinVar aggregate classification (germline): Conflicting classifications of pathogenicity. Review status: criteria provided, conflicting classifications (1 of 4 stars). 7 submissions from 7 submitters: Uncertain significance (6); Likely benign (1). Last evaluated 2025-03-03.

Conditions:
Metachromatic leukodystrophy (MLD). Also called: Cerebral sclerosis diffuse metachromatic form; ARSA DEFICIENCY; CEREBROSIDE SULFATASE DEFICIENCY; Arylsulfatase A Deficiency; METACHROMATIC LEUKOENCEPHALOPATHY; SULFATIDE LIPIDOSIS. Identifiers: Orphanet 512, MedGen C0023522, MONDO:0018868, OMIM 250100.
Inborn genetic diseases. Identifiers: MedGen C0950123, MeSH D030342.

Allele frequency attached by ClinVar (database versions not stated): 1000 Genomes Project 30x 0.00062; gnomAD 0.00019 and 0.00020; TOPMed 0.00023; 1000 Genomes Project 0.00040; ExAC 0.00007; gnomAD exomes 0.00012.

Submissions (7):

Ambry Genetics
Classification: Uncertain significance for Inborn genetic diseases. Last evaluated: 2025-03-03. Review status: criteria provided, single submitter. Criteria: Ambry Variant Classification Scheme 2023. Collection method: clinical testing. Allele origin: germline.

3billion
Classification: Likely benign for Metachromatic leukodystrophy. Last evaluated: 2024-09-20. Review status: criteria provided, single submitter. Criteria: ACMG Guidelines, 2015. Collection method: clinical testing. Allele origin: germline. Affected: no.
Comment: The homozygous variant was found in patients diagnosed with another variant in a different gene, with no symptoms related to the gene containing the homozygous variant.

Revvity Omics, Revvity
Classification: Uncertain significance for Metachromatic leukodystrophy. Last evaluated: 2024-06-11. Review status: criteria provided, single submitter. Criteria: ACMG Guidelines, 2015. Collection method: clinical testing. Allele origin: germline.

Genomic Medicine Center of Excellence, King Faisal Specialist Hospital and Research Centre
Classification: Uncertain significance for Metachromatic leukodystrophy. Last evaluated: 2024-04-04. Review status: criteria provided, single submitter. Criteria: ACMG Guidelines, 2015. Collection method: clinical testing. Allele origin: germline.

Labcorp Genetics (formerly Invitae), Labcorp
Classification: Uncertain significance for Metachromatic leukodystrophy. Last evaluated: 2022-09-01. Review status: criteria provided, single submitter. Criteria: Invitae Variant Classification Sherloc (09022015). Collection method: clinical testing. Allele origin: germline.
Comment: This sequence change replaces arginine, which is basic and polar, with histidine, which is basic and polar, at codon 202 of the ARSA protein (p.Arg202His). This variant is present in population databases (rs201794808, gnomAD 0.05%). This variant has not been reported in the literature in individuals affected with ARSA-related conditions. ClinVar contains an entry for this variant (Variation ID: 1430325). Advanced modeling of protein sequence and biophysical properties (such as structural, functional, and spatial information, amino acid conservation, physicochemical variation, residue mobility, and thermodynamic stability) performed at Invitae indicates that this missense variant is expected to disrupt ARSA protein function. In summary, the available evidence is currently insufficient to determine the role of this variant in disease. Therefore, it has been classified as a Variant of Uncertain Significance.

GeneDx
Classification: Uncertain significance. Last evaluated: 2022-04-08. Review status: criteria provided, single submitter. Criteria: GeneDx Variant Classification Process June 2021. Collection method: clinical testing. Allele origin: germline. Affected: yes.
Comment: In silico analysis supports that this missense variant has a deleterious effect on protein structure/function; Has not been previously published as pathogenic or benign to our knowledge

Fulgent Genetics
Classification: Uncertain significance for Metachromatic leukodystrophy. Last evaluated: 2021-12-29. Review status: criteria provided, single submitter. Criteria: ACMG Guidelines, 2015. Collection method: clinical testing. Allele origin: unknown.

NM_000487.6(ARSA):c.605G>A (p.Arg202His)

Gene: ARSA (arylsulfatase A; minus strand). Cytogenetic location: 22q13.33.
Variant type: single nucleotide variant.
Coding change: c.605G>A on transcript NM_000487.6 (MANE Select); coding-DNA position 605, G replaced by A.
Protein change: p.Arg202His; replaces arginine 202 with histidine.
Molecular consequence: missense variant.
Genome position (GRCh38, 1-based): chr22:50,626,913, C>T on the plus strand (G>A on the coding strand, the complement: ARSA is on the minus strand). VCF-style: chr22-50626913-C-T. GRCh37 (hg19) VCF-style: chr22-51065341-C-T.
Other names: c.605G>A, p.Arg202His (NM_001085425.3, NM_001085426.3, NM_001085427.3); c.347G>A, p.Arg116His (NM_001085428.3, NM_001362782.2); short protein forms R116H, R202H.
Identifiers: ClinVar variation 1430325 (VCV001430325.15), dbSNP rs201794808, ClinGen allele CA10324968.